The following is an entry in ClinVar:

ClinVar aggregate classification (germline): Uncertain significance. Review status: criteria provided, multiple submitters, no conflicts (2 of 4 stars). 2 submissions from 2 submitters: Uncertain significance (2). Last evaluated 2024-12-01.

Conditions:
Symmetrical dyschromatosis of extremities (DSH). Also called: Dyschromatosis symmetrica hereditaria; DYSCHROMATOSIS SYMMETRICA HEREDITARIA 1; RETICULATE ACROPIGMENTATION OF DOHI; SYMMETRIC DYSCHROMATOSIS OF THE EXTREMITIES. Identifiers: Orphanet 41, MedGen C0406775, MONDO:0007483, OMIM 127400.
Aicardi-Goutieres syndrome 6 (AGS6). Identifiers: Orphanet 51, MedGen C3539013, MONDO:0014007, OMIM 615010.

Allele frequency attached by ClinVar (database versions not stated): gnomAD exomes below 0.00001.
gnomAD v4.1: 2 of 1,606,270 alleles (0.00012%); highest among the groups gnomAD compares: Non-Finnish European, 0.000085%; no homozygotes.

Submissions (2):

CeGaT Center for Human Genetics Tuebingen
Classification: Uncertain significance. Last evaluated: 2024-12-01. Review status: criteria provided, single submitter. Criteria: CeGaT Center For Human Genetics Tuebingen Variant Classification Criteria Version 2. Collection method: clinical testing. Allele origin: germline. Affected: yes. Observed: 1 variant allele.
Comment: ADAR: PM2, PM3:Supporting, BP4

Labcorp Genetics (formerly Invitae), Labcorp
Classification: Uncertain significance for Aicardi-Goutieres syndrome 6; Symmetrical dyschromatosis of extremities. Last evaluated: 2021-02-03. Review status: criteria provided, single submitter. Criteria: Invitae Variant Classification Sherloc (09022015). Collection method: clinical testing. Allele origin: germline.
Comment: Algorithms developed to predict the effect of missense changes on protein structure and function are either unavailable or do not agree on the potential impact of this missense change (SIFT: "Deleterious"; PolyPhen-2: "Benign"; Align-GVGD: "Class C0"). This variant has not been reported in the literature in individuals with ADAR-related conditions. This variant is not present in population databases (ExAC no frequency). This sequence change replaces proline with alanine at codon 3 of the ADAR protein (p.Pro3Ala). The proline residue is weakly conserved and there is a small physicochemical difference between proline and alanine. In summary, the available evidence is currently insufficient to determine the role of this variant in disease. Therefore, it has been classified as a Variant of Uncertain Significance.

NM_001111.5(ADAR):c.7C>G (p.Pro3Ala)

Genes: ADAR (adenosine deaminase RNA specific; minus strand), LOC129931512 (ATAC-STARR-seq lymphoblastoid silent region 1364; plus strand). Cytogenetic location: 1q21.3.
Variant type: single nucleotide variant.
Coding change: c.7C>G on transcript NM_001111.5 (MANE Select); coding-DNA position 7, C replaced by G.
Protein change: p.Pro3Ala; replaces proline 3 with alanine.
Molecular consequence: missense variant. On other transcripts: 5 prime UTR variant (2), intron variant (4).
Genome position (GRCh38, 1-based): chr1:154,608,000, G>C on the plus strand (C>G on the coding strand, the complement: ADAR is on the minus strand). VCF-style: chr1-154608000-G-C. GRCh37 (hg19) VCF-style: chr1-154580476-G-C.
Other names: c.-743C>G (NM_001365047.1, NM_001365049.1); c.7C>G, p.Pro3Ala (NM_015840.4, NM_015841.4); c.-734-5374C>G (NM_001365046.1); c.43-5374C>G (NM_001365045.1); c.-870-5374C>G (NM_001025107.3); c.-871+751C>G (NM_001365048.1); short protein forms P3A.
Identifiers: ClinVar variation 1369200 (VCV001369200.21), dbSNP rs1313399962, ClinGen allele CA342612244.